The following is an entry in ClinVar:

ClinVar aggregate classification (germline): Uncertain significance. Review status: criteria provided, multiple submitters, no conflicts (2 of 4 stars). 2 submissions from 2 submitters: Uncertain significance (2). Last evaluated 2025-06-06.

Conditions:
PLXNA1-related disorder. Also called: PLXNA1-related condition.

Submissions (2):

Ambry Genetics
Classification: Uncertain significance. Last evaluated: 2025-06-06. Review status: criteria provided, single submitter. Criteria: Ambry Variant Classification Scheme 2023. Collection method: clinical testing. Allele origin: germline.

PreventionGenetics, part of Exact Sciences
Classification: Uncertain significance for PLXNA1-related condition. Last evaluated: 2024-12-18. Review status: criteria provided, single submitter. Criteria: ACMG Guidelines, 2015. Collection method: clinical testing. Allele origin: germline.
Comment: The PLXNA1 c.4931C>T variant is predicted to result in the amino acid substitution p.Thr1644Met. To our knowledge, this variant has not been reported in the literature. This variant is reported in 0.0054% of alleles in individuals of East Asian descent in gnomAD. At this time, the clinical significance of this variant is uncertain due to the absence of conclusive functional and genetic evidence.

NM_032242.4(PLXNA1):c.4931C>T (p.Thr1644Met)

Gene: PLXNA1 (plexin A1; plus strand). Cytogenetic location: 3q21.3.
Variant type: single nucleotide variant.
Coding change: c.4931C>T on transcript NM_032242.4 (MANE Select); coding-DNA position 4931, C replaced by T.
Protein change: p.Thr1644Met; replaces threonine 1644 with methionine.
Molecular consequence: missense variant.
Genome position (GRCh38, 1-based): chr3:127,029,934, C>T. VCF-style: chr3-127029934-C-T. GRCh37 (hg19) VCF-style: chr3-126748777-C-T.
Other names: short protein forms T1644M.
Identifiers: ClinVar variation 3934760 (VCV003934760.2).
Genomic context (GRCh38, chr3:127,029,934, plus strand): 5'-AGAGCATGCTGCGCACGGCCAGCAGCCCCGACAGCCTGCGCTCGCGCACGCCCATGATCA[C>T]GCCCGACCTGGAGAGCGGCACCAAGCTGTGGCACCTGGTGAAGAACCACGACCACCTGGA-3'
Protein context (NP_115618.3, residues 1634-1654): DSLRSRTPMI[Thr1644Met]PDLESGTKLW